The following is an entry in ClinVar:

NM_014920.5(CILK1):c.1832G>T (p.Arg611Leu)

Gene: CILK1 (ciliogenesis associated kinase 1; minus strand). Cytogenetic location: 6p12.1.
Variant type: single nucleotide variant.
Coding change: c.1832G>T on transcript NM_014920.5 (MANE Select); coding-DNA position 1832, G replaced by T.
Protein change: p.Arg611Leu; replaces arginine 611 with leucine.
Molecular consequence: missense variant. On other transcripts: non-coding transcript variant (1).
Genome position (GRCh38, 1-based): chr6:53,005,216, C>A on the plus strand (G>T on the coding strand, the complement: CILK1 is on the minus strand). VCF-style: chr6-53005216-C-A. GRCh37 (hg19) VCF-style: chr6-52870014-C-A.
Other names: c.1853G>T, p.Arg618Leu (NM_001375397.1); c.1832G>T, p.Arg611Leu (NM_001375398.1, NM_001375399.1, NM_001375400.1 and 3 more transcripts); short protein forms R611L, R618L.
Identifiers: ClinVar variation 4978166 (VCV004978166.1).
Genomic context (GRCh38, chr6:53,005,216, plus strand): 5'-CGAGATGCGTACTTGGAAGCCCAGTCTGTCCGGCCATGCACTGGCTGGGCGGCTGGAGGC[C>A]GTGGTATCAACCCAGGAGTGCTTCTAGGCTGGGTGTGGAAGAATGGTCGCCCAGGATGAG-3'
Protein context (NP_055735.1, residues 601-621): QPRSTPGLIP[Arg611Leu]PPAAQPVHGR

ClinVar aggregate classification (germline): Uncertain significance (1 of 4 stars; one submission).

Conditions:
CILK1-related disorder. Also called: CILK1-related condition.

gnomAD v4.1: 144 of 1,614,034 alleles (0.0089%); highest among the groups gnomAD compares: Non-Finnish European, 0.012%; no homozygotes.

Submission:

PreventionGenetics, part of Exact Sciences
Classification: Uncertain significance for CILK1-related condition. Last evaluated: 2026-06-23. Review status: criteria provided, single submitter. Criteria: ACMG Guidelines, 2015. Collection method: clinical testing. Allele origin: germline.
Comment: The CILK1 c.1832G>T variant is predicted to result in the amino acid substitution p.Arg611Leu. To our knowledge, this variant has not been reported in the literature. This variant is reported in 0.029% of alleles in individuals of European (Non-Finnish) descent in gnomAD. At this time, the clinical significance of this variant is uncertain due to the absence of conclusive functional and genetic evidence.